The following is an entry in ClinVar:

ClinVar aggregate classification (germline): Likely pathogenic (1 of 4 stars; one submission).

Conditions:
Cutis laxa, autosomal recessive, type 1B (ARCL1B). Also called: CUTIS LAXA, AUTOSOMAL RECESSIVE, TYPE IB; EFEMP2-Related Cutis Laxa. Identifiers: Orphanet 90349, MedGen C3280798, MONDO:0013754, OMIM 614437. Disease mechanism: loss of function.

Submission:

Labcorp Genetics (formerly Invitae), Labcorp
Classification: Likely pathogenic for Cutis laxa, autosomal recessive, type 1B. Last evaluated: 2021-08-24. Review status: criteria provided, single submitter. Criteria: Invitae Variant Classification Sherloc (09022015). Collection method: clinical testing. Allele origin: germline.
Comment: This sequence change creates a premature translational stop signal (p.Gly371Argfs*20) in the EFEMP2 gene. While this is not anticipated to result in nonsense mediated decay, it is expected to disrupt the last 73 amino acid(s) of the EFEMP2 protein. This variant is not present in population databases (ExAC no frequency). This variant has not been reported in the literature in individuals affected with EFEMP2-related conditions. ClinVar contains an entry for this variant (Variation ID: 540023). This variant disrupts the p.Ala397 amino acid residue in EFEMP2. Other variant(s) that disrupt this residue have been determined to be pathogenic (PMID: 2038931, 27339457). This suggests that this residue is clinically significant, and that variants that disrupt this residue are likely to be disease-causing. In summary, the currently available evidence indicates that the variant is pathogenic, but additional data are needed to prove that conclusively. Therefore, this variant has been classified as Likely Pathogenic.

Literature cited by the submitters: PubMed 2038931; PubMed 27339457.

NM_016938.5(EFEMP2):c.1110dup (p.Gly371fs)

Gene: EFEMP2 (EGF-like fibulin extracellular matrix protein 2; minus strand). Cytogenetic location: 11q13.1.
Variant type: Duplication.
Coding change: c.1110dup on transcript NM_016938.5 (MANE Select); coding-DNA position 1110, one base duplicated (C; older notation c.1110dupC).
Protein change: p.Gly371fs; shifts the reading frame from glycine 371.
Molecular consequence: frameshift variant. On other transcripts: non-coding transcript variant (1).
Genome position (GRCh38, 1-based): chr11:65,867,921, G duplicated on the plus strand (C on the coding strand, the reverse complement: EFEMP2 is on the minus strand); the first of 4 consecutive G bases (chr11:65,867,921-65,867,924); duplicating any one gives the same sequence. VCF-style (leftmost placement, unchanged base first): chr11-65867920-C-CG. GRCh37 (hg19) VCF-style: chr11-65635391-C-CG.
Other names: c.1110dupC (NM_016938.4); short protein forms G371fs.
Identifiers: ClinVar variation 540023 (VCV000540023.6), dbSNP rs1555042727, ClinGen allele CA658797679.